The following is an entry in ClinVar:

ClinVar aggregate classification (germline): Uncertain significance. Review status: criteria provided, multiple submitters, no conflicts (2 of 4 stars). 3 submissions from 3 submitters: Uncertain significance (3). Last evaluated 2023-12-26.

Conditions:
Peroxisome biogenesis disorder. Identifiers: Orphanet 79189, MedGen C1832200, MONDO:0019234. Disease mechanism: loss of function.
Inborn genetic diseases. Identifiers: MedGen C0950123, MeSH D030342.

Allele frequency attached by ClinVar (database versions not stated): gnomAD exomes below 0.00001; ExAC 0.00001; gnomAD 0.00003; TOPMed 0.00003; 1000 Genomes Project 30x 0.00016; 1000 Genomes Project 0.00020.

Submissions (3):

Ambry Genetics
Classification: Uncertain significance for Inborn genetic diseases. Last evaluated: 2023-12-26. Review status: criteria provided, single submitter. Criteria: Ambry Variant Classification Scheme 2023. Collection method: clinical testing. Allele origin: germline.

Labcorp Genetics (formerly Invitae), Labcorp
Classification: Uncertain significance for Peroxisome biogenesis disorder. Last evaluated: 2022-07-07. Review status: criteria provided, single submitter. Criteria: Invitae Variant Classification Sherloc (09022015). Collection method: clinical testing. Allele origin: germline.
Comment: This sequence change replaces leucine, which is neutral and non-polar, with phenylalanine, which is neutral and non-polar, at codon 282 of the PEX16 protein (p.Leu282Phe). This variant is present in population databases (rs199767958, gnomAD 0.008%). This variant has not been reported in the literature in individuals affected with PEX16-related conditions. ClinVar contains an entry for this variant (Variation ID: 1431244). Algorithms developed to predict the effect of missense changes on protein structure and function are either unavailable or do not agree on the potential impact of this missense change (SIFT: "Deleterious"; PolyPhen-2: "Benign"; Align-GVGD: "Class C0"). In summary, the available evidence is currently insufficient to determine the role of this variant in disease. Therefore, it has been classified as a Variant of Uncertain Significance.

Blueprint Genetics
Classification: Uncertain significance. Last evaluated: 2020-07-09. Review status: criteria provided, single submitter. Criteria: ACMG Guidelines, 2015. Collection method: clinical testing. Allele origin: germline.

NM_004813.4(PEX16):c.844C>T (p.Leu282Phe)

Gene: PEX16 (peroxisomal biogenesis factor 16; minus strand). Cytogenetic location: 11p11.2.
Variant type: single nucleotide variant.
Coding change: c.844C>T on transcript NM_004813.4 (MANE Select); coding-DNA position 844, C replaced by T.
Protein change: p.Leu282Phe; replaces leucine 282 with phenylalanine.
Molecular consequence: missense variant.
Genome position (GRCh38, 1-based): chr11:45,913,862, G>A on the plus strand (C>T on the coding strand, the complement: PEX16 is on the minus strand). VCF-style: chr11-45913862-G-A. GRCh37 (hg19) VCF-style: chr11-45935413-G-A.
Other names: c.844C>T (NM_004813.2); c.844C>T, p.Leu282Phe (NM_057174.3); short protein forms L282F.
Identifiers: ClinVar variation 1431244 (VCV001431244.7), dbSNP rs199767958, ClinGen allele CA5959801.